The following is an entry in ClinVar:

NM_001114753.3(ENG):c.1742G>A (p.Gly581Asp)

Gene: ENG (endoglin; minus strand). Cytogenetic location: 9q34.11.
Variant type: single nucleotide variant.
Coding change: c.1742G>A on transcript NM_001114753.3 (MANE Select); coding-DNA position 1742, G replaced by A.
Protein change: p.Gly581Asp; replaces glycine 581 with aspartic acid.
Molecular consequence: missense variant.
Genome position (GRCh38, 1-based): chr9:127,816,053, C>T on the plus strand (G>A on the coding strand, the complement: ENG is on the minus strand). VCF-style: chr9-127816053-C-T. GRCh37 (hg19) VCF-style: chr9-130578332-C-T.
Other names: c.1742G>A, p.Gly581Asp (NM_000118.4); c.1196G>A, p.Gly399Asp (NM_001278138.2); short protein forms G399D, G581D.
Identifiers: ClinVar variation 5035996 (VCV005035996.1).

ClinVar aggregate classification (germline): Uncertain significance (1 of 4 stars; one submission).

Conditions:
Cardiovascular phenotype. Identifiers: MedGen CN230736.

Submission:

Ambry Genetics
Classification: Uncertain significance for Cardiovascular phenotype. Last evaluated: 2026-08-31. Review status: criteria provided, single submitter. Criteria: Ambry Variant Classification Scheme 2023. Collection method: clinical testing. Allele origin: germline.
Comment: The p.G581D variant (also known as c.1742G>A) is located in coding exon 14 of the ENG gene. The glycine at codon 581 is replaced by aspartic acid, an amino acid with similar properties. This change occurs in the first base pair of coding exon 14. This amino acid position is conserved. In addition, this alteration is predicted to be tolerated by in silico analysis. Based on the available evidence, the clinical significance of this variant remains unclear.